The following is an entry in ClinVar:

NM_145698.5(ACBD5):c.83G>A (p.Arg28Gln)

Genes: ACBD5 (acyl-CoA binding domain containing 5; minus strand), LOC130003557 (ATAC-STARR-seq lymphoblastoid active region 3182; plus strand). Cytogenetic location: 10p12.1.
Variant type: single nucleotide variant.
Coding change: c.83G>A on transcript NM_145698.5 (MANE Select); coding-DNA position 83, G replaced by A.
Protein change: p.Arg28Gln; replaces arginine 28 with glutamine.
Molecular consequence: missense variant. On other transcripts: 5 prime UTR variant (16).
Genome position (GRCh38, 1-based): chr10:27,240,417, C>T on the plus strand (G>A on the coding strand, the complement: ACBD5 is on the minus strand). VCF-style: chr10-27240417-C-T. GRCh37 (hg19) VCF-style: chr10-27529346-C-T.
Other names: c.-23G>A (NM_001042473.4, NM_001352574.2, NM_001352575.2 and 6 more transcripts); c.77G>A, p.Arg26Gln (NM_001271512.3, NM_001352571.1, NM_001352586.1 and 1 more transcripts); c.-124G>A (NM_001301251.2, NM_001301252.2, NM_001301253.2 and 4 more transcripts); c.104G>A, p.Arg35Gln (NM_001352568.1, NM_001352572.1); c.83G>A, p.Arg28Gln (NM_001352569.1, NM_001352570.1, NM_001352573.1 and 2 more transcripts); short protein forms R26Q, R28Q, R35Q.
Identifiers: ClinVar variation 2101293 (VCV002101293.1), dbSNP rs749155919, ClinGen allele CA204471014.

ClinVar aggregate classification (germline): Uncertain significance (1 of 4 stars; one submission).

Allele frequency attached by ClinVar (database versions not stated): gnomAD 0.00001.
gnomAD v4.1: 8 of 1,613,996 alleles (0.0005%); highest among the groups gnomAD compares: African/African-American, 0.004%; no homozygotes.

Submission:

Labcorp Genetics (formerly Invitae), Labcorp
Classification: Uncertain significance. Last evaluated: 2022-07-01. Review status: criteria provided, single submitter. Criteria: Invitae Variant Classification Sherloc (09022015). Collection method: clinical testing. Allele origin: germline.
Comment: This sequence change replaces arginine, which is basic and polar, with glutamine, which is neutral and polar, at codon 28 of the ACBD5 protein (p.Arg28Gln). This variant is present in population databases (no rsID available, gnomAD 0.002%). This variant has not been reported in the literature in individuals affected with ACBD5-related conditions. Algorithms developed to predict the effect of missense changes on protein structure and function output the following: SIFT: "Deleterious"; PolyPhen-2: "Benign"; Align-GVGD: "Class C0". The glutamine amino acid residue is found in multiple mammalian species, which suggests that this missense change does not adversely affect protein function. In summary, the available evidence is currently insufficient to determine the role of this variant in disease. Therefore, it has been classified as a Variant of Uncertain Significance.